The following is an entry in ClinVar:

ClinVar aggregate classification (germline): Uncertain significance (1 of 4 stars; one submission).

Submission:

Ambry Genetics
Classification: Uncertain significance. Last evaluated: 2023-11-06. Review status: criteria provided, single submitter. Criteria: Ambry Variant Classification Scheme 2023. Collection method: clinical testing. Allele origin: germline.
Comment: The p.R91G variant (also known as c.271C>G), located in coding exon 1 of the EGLN1 gene, results from a C to G substitution at nucleotide position 271. The arginine at codon 91 is replaced by glycine, an amino acid with dissimilar properties. This amino acid position is conserved. In addition, this alteration is predicted to be tolerated by in silico analysis. Since supporting evidence is limited at this time, the clinical significance of this alteration remains unclear.

NM_022051.3(EGLN1):c.271C>G (p.Arg91Gly)

Gene: EGLN1 (egl-9 family hypoxia inducible factor 1; minus strand). Cytogenetic location: 1q42.2.
Variant type: single nucleotide variant.
Coding change: c.271C>G on transcript NM_022051.3 (MANE Select); coding-DNA position 271, C replaced by G.
Protein change: p.Arg91Gly; replaces arginine 91 with glycine.
Molecular consequence: missense variant.
Genome position (GRCh38, 1-based): chr1:231,421,618, G>C on the plus strand (C>G on the coding strand, the complement: EGLN1 is on the minus strand). VCF-style: chr1-231421618-G-C. GRCh37 (hg19) VCF-style: chr1-231557364-G-C.
Other names: c.271C>G, p.Arg91Gly (NM_001377260.1, NM_001377261.1); short protein forms R91G.
Identifiers: ClinVar variation 3227705 (VCV003227705.1), dbSNP rs2527360946, ClinGen allele CA345238140.